The following is an entry in ClinVar:

ClinVar aggregate classification (germline): Uncertain significance (1 of 4 stars; one submission).

Submission:

Labcorp Genetics (formerly Invitae), Labcorp
Classification: Uncertain significance. Last evaluated: 2023-10-22. Review status: criteria provided, single submitter. Criteria: Invitae Variant Classification Sherloc (09022015). Collection method: clinical testing. Allele origin: germline.
Comment: This sequence change replaces serine, which is neutral and polar, with phenylalanine, which is neutral and non-polar, at codon 91 of the GABRB1 protein (p.Ser91Phe). This variant is present in population databases (no rsID available, gnomAD 0.0009%). This variant has not been reported in the literature in individuals affected with GABRB1-related conditions. ClinVar contains an entry for this variant (Variation ID: 1955039). Advanced modeling of protein sequence and biophysical properties (such as structural, functional, and spatial information, amino acid conservation, physicochemical variation, residue mobility, and thermodynamic stability) performed at Invitae indicates that this missense variant is not expected to disrupt GABRB1 protein function. In summary, the available evidence is currently insufficient to determine the role of this variant in disease. Therefore, it has been classified as a Variant of Uncertain Significance.

NM_000812.4(GABRB1):c.272C>T (p.Ser91Phe)

Gene: GABRB1 (gamma-aminobutyric acid type A receptor subunit beta1; plus strand). Cytogenetic location: 4p12.
Variant type: single nucleotide variant.
Coding change: c.272C>T on transcript NM_000812.4 (MANE Select); coding-DNA position 272, C replaced by T.
Protein change: p.Ser91Phe; replaces serine 91 with phenylalanine.
Molecular consequence: missense variant.
Genome position (GRCh38, 1-based): chr4:47,161,280, C>T. VCF-style: chr4-47161280-C-T. GRCh37 (hg19) VCF-style: chr4-47163297-C-T.
Other names: short protein forms S91F.
Identifiers: ClinVar variation 1955039 (VCV001955039.5), dbSNP rs1356479326, ClinGen allele CA356805765.